The following is an entry in ClinVar:

ClinVar aggregate classification (germline): Uncertain significance (1 of 4 stars; one submission).

gnomAD v4.1: 1 of 1,614,200 alleles (0.000062%); highest among the groups gnomAD compares: South Asian, 0.0011%; no homozygotes.

Submission:

CeGaT Center for Human Genetics Tuebingen
Classification: Uncertain significance. Last evaluated: 2026-01-01. Review status: criteria provided, single submitter. Criteria: CeGaT Center For Human Genetics Tuebingen Variant Classification Criteria Version 2. Collection method: clinical testing. Allele origin: germline. Affected: yes. Observed: 1 variant allele.
Comment: PARS2: PM2, PM3, BP4

NM_152268.4(PARS2):c.305T>C (p.Val102Ala)

Gene: PARS2 (prolyl-tRNA synthetase 2, mitochondrial; minus strand). Cytogenetic location: 1p32.3.
Variant type: single nucleotide variant.
Coding change: c.305T>C on transcript NM_152268.4 (MANE Select); coding-DNA position 305, T replaced by C.
Protein change: p.Val102Ala; replaces valine 102 with alanine.
Molecular consequence: missense variant.
Genome position (GRCh38, 1-based): chr1:54,758,857, A>G on the plus strand (T>C on the coding strand, the complement: PARS2 is on the minus strand). VCF-style: chr1-54758857-A-G. GRCh37 (hg19) VCF-style: chr1-55224530-A-G.
Other names: short protein forms V102A.
Identifiers: ClinVar variation 4823004 (VCV004823004.4).